The following is an entry in ClinVar:

ClinVar aggregate classification (germline): Uncertain significance. Review status: criteria provided, multiple submitters, no conflicts (2 of 4 stars). 2 submissions from 2 submitters: Uncertain significance (2). Last evaluated 2025-10-29.

Conditions:
Inborn genetic diseases. Identifiers: MedGen C0950123, MeSH D030342.

gnomAD v4.1: 2 of 1,614,032 alleles (0.00012%); highest among the groups gnomAD compares: Non-Finnish European, 0.00017%; no homozygotes.

Submissions (2):

Ambry Genetics
Classification: Uncertain significance for Inborn genetic diseases. Last evaluated: 2025-10-29. Review status: criteria provided, single submitter. Criteria: Ambry Variant Classification Scheme 2023. Collection method: clinical testing. Allele origin: germline.
Comment: The c.101T>G (p.V34G) alteration is located in exon 2 (coding exon 2) of the PPP3CA gene. This alteration results from a T to G substitution at nucleotide position 101, causing the valine (V) at amino acid position 34 to be replaced by a glycine (G). Based on data from gnomAD, the G allele has an overall frequency of <0.001% (1/251026) total alleles studied. The highest observed frequency was 0.001% (1/113472) of European (non-Finnish) alleles. Based on insufficient or conflicting evidence, the clinical significance of this alteration remains unclear.

Labcorp Genetics (formerly Invitae), Labcorp
Classification: Uncertain significance. Last evaluated: 2022-01-25. Review status: criteria provided, single submitter. Criteria: Invitae Variant Classification Sherloc (09022015). Collection method: clinical testing. Allele origin: germline.
Comment: This sequence change replaces valine, which is neutral and non-polar, with glycine, which is neutral and non-polar, at codon 34 of the PPP3CA protein (p.Val34Gly). In summary, the available evidence is currently insufficient to determine the role of this variant in disease. Therefore, it has been classified as a Variant of Uncertain Significance. Algorithms developed to predict the effect of missense changes on protein structure and function are either unavailable or do not agree on the potential impact of this missense change (SIFT: "Deleterious"; PolyPhen-2: "Probably Damaging"; Align-GVGD: "Class C0"). This variant has not been reported in the literature in individuals affected with PPP3CA-related conditions. This variant is present in population databases (rs755119794, gnomAD 0.0009%).

NM_000944.5(PPP3CA):c.101T>G (p.Val34Gly)

Gene: PPP3CA (protein phosphatase 3 catalytic subunit alpha; minus strand). Cytogenetic location: 4q24.
Variant type: single nucleotide variant.
Coding change: c.101T>G on transcript NM_000944.5 (MANE Select); coding-DNA position 101, T replaced by G.
Protein change: p.Val34Gly; replaces valine 34 with glycine.
Molecular consequence: missense variant.
Genome position (GRCh38, 1-based): chr4:101,196,074, A>C on the plus strand (T>G on the coding strand, the complement: PPP3CA is on the minus strand). VCF-style: chr4-101196074-A-C. GRCh37 (hg19) VCF-style: chr4-102117231-A-C.
Other names: c.101T>G, p.Val34Gly (NM_001130691.2, NM_001130692.2); c.101T>G (NM_000944.4); short protein forms V34G.
Identifiers: ClinVar variation 1477274 (VCV001477274.7), dbSNP rs755119794, ClinGen allele CA3024559.
Genomic context (GRCh38, chr4:101,196,074, plus strand): 5'-CCCTCCTTCATAAGATGCGCCTTTAAGATATCCACACGAGGTTTTCCATCATTATCAAAC[A>C]CTTCTTTTGCTGTAAGCCGGTGACTTGGAGGAAATGGAACAGCTGAAAGAAGAAAGGTCT-3'
Protein context (NP_000935.1, residues 24-44): PPSHRLTAKE[Val34Gly]FDNDGKPRVD